The following is an entry in ClinVar:

ClinVar aggregate classification (germline): Likely pathogenic (0 of 4 stars; one submission).

Conditions:
Alport syndrome. Also called: Hemorrhagic familial nephritis; Hemorrhagic hereditary nephritis; Congenital hereditary hematuria. Identifiers: Orphanet 63, MedGen C1567741, MONDO:0018965.

Submission:

Sydney Genome Diagnostics, Children's Hospital Westmead
Classification: Likely pathogenic for Alport syndrome. Last evaluated: 2016-12-11. Review status: no assertion criteria provided. Collection method: clinical testing. Allele origin: unknown. Affected: yes. Observed: 1 variant allele, 1 heterozygote.
Comment: The variant has not been reported in any population databases (i.e. ExAC, ESP or dbSNP). To our knowledge, this variant has not been previously reported in the literature or any variant databases. In silico analysis (using Alamut visual v2.8.1) predicts this variant to abolish the consensus splice donor site at c.438 and may also create an alternate donor splice site at c.438+3, which would result in the in-frame insertion of an additional amino acid residue within the glycine triple helix domain. However, this prediction may not necessarily reflect the splicing outcome in vivo. This variant is considered to be likely pathogenic according to the ACMG guidelines.

NM_033380.3(COL4A5):c.438+1_438+3dup

Gene: COL4A5 (collagen type IV alpha 5 chain; plus strand). Cytogenetic location: Xq22.3.
Variant type: Duplication.
Coding change: c.438+1_438+3dup on transcript NM_033380.3 (MANE Select); the canonical splice donor site of the intron after coding-DNA position 438 through 3 bases into the intron after coding-DNA position 438, 3 bases duplicated (GTA; older notation c.438+1_438+3dupGTA).
Molecular consequence: splice donor variant.
Genome position (GRCh38, 1-based): chrX:108,571,467-108,571,469, GTA duplicated; duplicating any 3 consecutive bases within chrX:108,571,466-108,571,469 gives the same sequence; the c. name uses the placement nearest the transcript's 3' end. VCF-style (leftmost placement, unchanged base first): chrX-108571465-C-CAGT. GRCh37 (hg19) VCF-style: chrX-107814695-C-CAGT.
Other names: c.438+1_438+3dup (NM_000495.5).
Identifiers: ClinVar variation 988257 (VCV000988257.1), dbSNP rs2066064057, ClinGen allele CA2450680125.